The following is an entry in ClinVar:

NM_006767.4(LZTR1):c.44C>A (p.Ala15Asp)

Genes: LZTR1 (leucine zipper like post translational regulator 1; plus strand), LOC130067016 (ATAC-STARR-seq lymphoblastoid silent region 13504; plus strand). Cytogenetic location: 22q11.21.
Variant type: single nucleotide variant.
Coding change: c.44C>A on transcript NM_006767.4 (MANE Select); coding-DNA position 44, C replaced by A.
Protein change: p.Ala15Asp; replaces alanine 15 with aspartic acid.
Molecular consequence: missense variant.
Genome position (GRCh38, 1-based): chr22:20,982,415, C>A. VCF-style: chr22-20982415-C-A. GRCh37 (hg19) VCF-style: chr22-21336704-C-A.
Other names: short protein forms A15D.
Identifiers: ClinVar variation 3992685 (VCV003992685.2).

ClinVar aggregate classification (germline): Uncertain significance. Review status: criteria provided, multiple submitters, no conflicts (2 of 4 stars). 2 submissions from 2 submitters: Uncertain significance (2). Last evaluated 2025-12-10.

Conditions:
Cardiovascular phenotype. Identifiers: MedGen CN230736.
Hereditary cancer-predisposing syndrome. Also called: Tumor predisposition; Hereditary neoplastic syndrome; Neoplastic Syndromes, Hereditary; Hereditary Cancer Syndrome. Identifiers: Orphanet 140162, MedGen C0027672, MeSH D009386, MONDO:0015356.

Submissions (2):

Labcorp Genetics (formerly Invitae), Labcorp
Classification: Uncertain significance. Last evaluated: 2025-12-10. Review status: criteria provided, single submitter. Criteria: Invitae Variant Classification Sherloc (09022015). Collection method: clinical testing. Allele origin: germline.
Comment: This sequence change replaces alanine, which is neutral and non-polar, with aspartic acid, which is acidic and polar, at codon 15 of the LZTR1 protein (p.Ala15Asp). This variant is not present in population databases (gnomAD no frequency). This variant has not been reported in the literature in individuals affected with LZTR1-related conditions. ClinVar contains an entry for this variant (Variation ID: 3992685). Invitae Evidence Modeling of protein sequence and biophysical properties (such as structural, functional, and spatial information, amino acid conservation, physicochemical variation, residue mobility, and thermodynamic stability) has been performed for this missense variant. However, the output from this modeling did not meet the statistical confidence thresholds required to predict the impact of this variant on LZTR1 protein function. In summary, the available evidence is currently insufficient to determine the role of this variant in disease. Therefore, it has been classified as a Variant of Uncertain Significance.

Ambry Genetics
Classification: Uncertain significance for Cardiovascular phenotype; Hereditary cancer-predisposing syndrome. Last evaluated: 2025-05-01. Review status: criteria provided, single submitter. Criteria: Ambry Variant Classification Scheme 2023. Collection method: clinical testing. Allele origin: germline.
Comment: The p.A15D variant (also known as c.44C>A), located in coding exon 1 of the LZTR1 gene, results from a C to A substitution at nucleotide position 44. The alanine at codon 15 is replaced by aspartic acid, an amino acid with dissimilar properties. This amino acid position is conserved. In addition, this alteration is predicted to be tolerated by in silico analysis. Based on the available evidence, the clinical significance of this variant remains unclear.